The following is an entry in ClinVar:

NM_001165963.4(SCN1A):c.5547_5548insGC (p.Ile1850fs)

Genes: SCN1A (sodium voltage-gated channel alpha subunit 1; minus strand), LOC102724058 (uncharacterized LOC102724058; plus strand). Cytogenetic location: 2q24.3.
Variant type: Insertion.
Coding change: c.5547_5548insGC on transcript NM_001165963.4 (MANE Select); coding-DNA positions 5547 to 5548, GC inserted.
Protein change: p.Ile1850fs; shifts the reading frame from isoleucine 1850.
Molecular consequence: frameshift variant. On other transcripts: non-coding transcript variant (1).
Genome position: GRCh38 VCF-style: chr2-165991727-T-TGC. GRCh37 (hg19) VCF-style: chr2-166848237-T-TGC.
Other names: c.5463_5464insGC, p.Ile1822fs (NM_001165964.3, NM_001353957.2, NM_001353958.2); c.5547_5548insGC, p.Ile1850fs (NM_001202435.3, NM_001353948.2); c.5514_5515insGC, p.Ile1839fs (NM_001353949.2, NM_001353950.2, NM_001353951.2 and 2 more transcripts); c.5511_5512insGC, p.Ile1838fs (NM_001353954.2, NM_001353955.2); c.5460_5461insGC, p.Ile1821fs (NM_001353960.2); c.3105_3106insGC, p.Ile1036fs (NM_001353961.2); short protein forms I1036fs, I1821fs, I1822fs, I1838fs, I1839fs, I1850fs.
Identifiers: ClinVar variation 3336823 (VCV003336823.1).

ClinVar aggregate classification (germline): Pathogenic (1 of 4 stars; one submission).

Conditions:
Epilepsy. Also called: Seizure disorder. Identifiers: MedGen C0014544, MeSH D004827, MONDO:0005027.

Submission:

Centre for Inherited Metabolic Diseases, Karolinska University Hospital
Classification: Pathogenic for epilepsy. Last evaluated: 2024-07-23. Review status: criteria provided, single submitter. Criteria: ACMG Guidelines, 2015. Collection method: clinical testing. Allele origin: de novo. Inheritance: Autosomal dominant inheritance. Affected: yes. Observed: 1 heterozygote.
Comment: The variant is a null variant (PVS1, similar variants reported pathogenic). The variant is confirmed de novo (PS2). The variant is rare in the healthy population (PM2 - supporting).